The following is an entry in ClinVar:

NM_015166.4(MLC1):c.40C>G (p.Arg14Gly)

Gene: MLC1 (modulator of VRAC current 1; minus strand). Cytogenetic location: 22q13.33.
Variant type: single nucleotide variant.
Coding change: c.40C>G on transcript NM_015166.4 (MANE Select); coding-DNA position 40, C replaced by G.
Protein change: p.Arg14Gly; replaces arginine 14 with glycine.
Molecular consequence: missense variant. On other transcripts: non-coding transcript variant (3), intron variant (1).
Genome position (GRCh38, 1-based): chr22:50,084,863, G>C on the plus strand (C>G on the coding strand, the complement: MLC1 is on the minus strand). VCF-style: chr22-50084863-G-C. GRCh37 (hg19) VCF-style: chr22-50523292-G-C.
Other names: c.40C>G, p.Arg14Gly (NM_001376472.1, NM_001376473.1, NM_001376474.1 and 10 more transcripts); c.-59+492C>G (NM_001376484.1); short protein forms R14G.
Identifiers: ClinVar variation 2144751 (VCV002144751.2), dbSNP rs370132302, ClinGen allele CA10303698.

ClinVar aggregate classification (germline): Uncertain significance. Review status: criteria provided, multiple submitters, no conflicts (2 of 4 stars). 2 submissions from 2 submitters: Uncertain significance (2). Last evaluated 2024-05-23.

Allele frequency attached by ClinVar (database versions not stated): gnomAD 0.00003.

Submissions (2):

Blueprint Genetics
Classification: Uncertain significance. Last evaluated: 2024-05-23. Review status: criteria provided, single submitter. Criteria: ACMG Guidelines, 2015. Collection method: clinical testing. Allele origin: germline.

Labcorp Genetics (formerly Invitae), Labcorp
Classification: Uncertain significance. Last evaluated: 2021-10-14. Review status: criteria provided, single submitter. Criteria: Invitae Variant Classification Sherloc (09022015). Collection method: clinical testing. Allele origin: germline.
Comment: This sequence change replaces arginine with glycine at codon 14 of the MLC1 protein (p.Arg14Gly). The arginine residue is highly conserved and there is a moderate physicochemical difference between arginine and glycine. This variant is present in population databases (rs370132302, ExAC 0.008%). This variant has not been reported in the literature in individuals affected with MLC1-related conditions. Algorithms developed to predict the effect of missense changes on protein structure and function are either unavailable or do not agree on the potential impact of this missense change (SIFT: "Deleterious"; PolyPhen-2: "Benign"; Align-GVGD: "Class C65"). In summary, the available evidence is currently insufficient to determine the role of this variant in disease. Therefore, it has been classified as a Variant of Uncertain Significance.